The following is an entry in ClinVar:

ClinVar aggregate classification (germline): Uncertain significance. Review status: criteria provided, multiple submitters, no conflicts (2 of 4 stars). 2 submissions from 2 submitters: Uncertain significance (2). Last evaluated 2025-01-03.

Conditions:
Hereditary cancer-predisposing syndrome. Also called: Tumor predisposition; Neoplastic Syndromes, Hereditary; Hereditary Cancer Syndrome; Hereditary neoplastic syndrome. Identifiers: Orphanet 140162, MedGen C0027672, MeSH D009386, MONDO:0015356.
Ataxia-telangiectasia syndrome (AT). Also called: ATAXIA-TELANGIECTASIA, COMPLEMENTATION GROUP A; ATAXIA-TELANGIECTASIA, FRESNO VARIANT; Ataxia-telangiectasia; Ataxia-telangiectasia, complementation group D; AT, COMPLEMENTATION GROUP C; Ataxia-telangiectasia, complementation group E. Identifiers: Orphanet 100, MedGen C0004135, MONDO:0008840, OMIM 208900.

Submissions (2):

Ambry Genetics
Classification: Uncertain significance for Hereditary cancer-predisposing syndrome. Last evaluated: 2025-01-03. Review status: criteria provided, single submitter. Criteria: Ambry Variant Classification Scheme 2023. Collection method: clinical testing. Allele origin: germline.
Comment: The p.K3043E variant (also known as c.9127A>G), located in coding exon 62 of the ATM gene, results from an A to G substitution at nucleotide position 9127. The lysine at codon 3043 is replaced by glutamic acid, an amino acid with similar properties. This amino acid position is well conserved in available vertebrate species. In addition, the in silico prediction for this alteration is inconclusive. Based on the available evidence, the clinical significance of this variant remains unclear.

Labcorp Genetics (formerly Invitae), Labcorp
Classification: Uncertain significance for Ataxia-telangiectasia syndrome. Last evaluated: 2023-12-06. Review status: criteria provided, single submitter. Criteria: Invitae Variant Classification Sherloc (09022015). Collection method: clinical testing. Allele origin: germline.
Comment: This sequence change replaces lysine, which is basic and polar, with glutamic acid, which is acidic and polar, at codon 3043 of the ATM protein (p.Lys3043Glu). This variant is not present in population databases (gnomAD no frequency). This variant has not been reported in the literature in individuals affected with ATM-related conditions. ClinVar contains an entry for this variant (Variation ID: 823037). An algorithm developed to predict the effect of missense changes on protein structure and function (PolyPhen-2) suggests that this variant is likely to be disruptive. In summary, the available evidence is currently insufficient to determine the role of this variant in disease. Therefore, it has been classified as a Variant of Uncertain Significance.

NM_000051.4(ATM):c.9127A>G (p.Lys3043Glu)

Genes: ATM (ATM serine/threonine kinase; plus strand), C11orf65 (chromosome 11 open reading frame 65; minus strand). Cytogenetic location: 11q22.3.
Variant type: single nucleotide variant.
Coding change: c.9127A>G on transcript NM_000051.4 (MANE Select); coding-DNA position 9127, A replaced by G.
Protein change: p.Lys3043Glu; replaces lysine 3043 with glutamic acid.
Molecular consequence: missense variant. On other transcripts: intron variant (2).
Genome position (GRCh38, 1-based): chr11:108,365,464, A>G. VCF-style: chr11-108365464-A-G. GRCh37 (hg19) VCF-style: chr11-108236191-A-G.
Other names: c.9127A>G, p.Lys3043Glu (NM_001351834.2); c.640+20456T>C (NM_001330368.2); c.694+20456T>C (NM_001351110.2); short protein forms K3043E.
Identifiers: ClinVar variation 823037 (VCV000823037.10), dbSNP rs1591388080, ClinGen allele CA382532052.